The following is an entry in ClinVar:

NM_012463.4(ATP6V0A2):c.2502C>T (p.Gly834=)

Gene: ATP6V0A2 (ATPase H+ transporting V0 subunit a2; plus strand). Cytogenetic location: 12q24.31.
Variant type: single nucleotide variant.
Coding change: c.2502C>T on transcript NM_012463.4 (MANE Select); coding-DNA position 2502, C replaced by T.
Protein change: p.Gly834=; no amino-acid change (glycine 834 retained).
Molecular consequence: synonymous variant.
Genome position (GRCh38, 1-based): chr12:123,757,963, C>T. VCF-style: chr12-123757963-C-T. GRCh37 (hg19) VCF-style: chr12-124242510-C-T.
Identifiers: ClinVar variation 1509033 (VCV001509033.4), dbSNP rs1451115150, ClinGen allele CA482270694.

ClinVar aggregate classification (germline): Uncertain significance (1 of 4 stars; one submission).

Conditions:
ALG9 congenital disorder of glycosylation (CDG1L). Also called: CONGENITAL DISORDER OF GLYCOSYLATION, TYPE Il; CDG Il; ALG9-CDG. Identifiers: Orphanet 79328, MedGen C2931006, MONDO:0012117, OMIM 608776.

Allele frequency attached by ClinVar (database versions not stated): gnomAD exomes below 0.00001; TOPMed 0.00001.
gnomAD v4.1: 2 of 1,610,650 alleles (0.00012%); highest among the groups gnomAD compares: Non-Finnish European, 0.00017%; no homozygotes.

Submission:

Labcorp Genetics (formerly Invitae), Labcorp
Classification: Uncertain significance for ALG9 congenital disorder of glycosylation. Last evaluated: 2021-10-12. Review status: criteria provided, single submitter. Criteria: Invitae Variant Classification Sherloc (09022015). Collection method: clinical testing. Allele origin: germline.
Comment: In summary, the available evidence is currently insufficient to determine the role of this variant in disease. Therefore, it has been classified as a Variant of Uncertain Significance. Algorithms developed to predict the effect of sequence changes on RNA splicing suggest that this variant may create or strengthen a splice site. This variant has not been reported in the literature in individuals affected with ATP6V0A2-related conditions. This variant is not present in population databases (ExAC no frequency). This sequence change affects codon 834 of the ATP6V0A2 mRNA. It is a 'silent' change, meaning that it does not change the encoded amino acid sequence of the ATP6V0A2 protein.